The following is an entry in ClinVar:

NM_199242.3(UNC13D):c.389-13C>T

Gene: UNC13D (unc-13 homolog D; minus strand). Cytogenetic location: 17q25.1.
Variant type: single nucleotide variant.
Coding change: c.389-13C>T on transcript NM_199242.3 (MANE Select); 13 bases into the intron before coding-DNA position 389, C replaced by T.
Molecular consequence: intron variant.
Genome position (GRCh38, 1-based): chr17:75,842,626, G>A on the plus strand (C>T on the coding strand, the complement: UNC13D is on the minus strand). VCF-style: chr17-75842626-G-A. GRCh37 (hg19) VCF-style: chr17-73838707-G-A.
Identifiers: ClinVar variation 1690791 (VCV001690791.7), dbSNP rs1376263454, ClinGen allele CA627596588.

ClinVar aggregate classification (germline): Conflicting classifications of pathogenicity. Review status: criteria provided, conflicting classifications (1 of 4 stars). 2 submissions from 2 submitters: Uncertain significance (1); Likely benign (1). Last evaluated 2024-03-01.

Conditions:
Familial hemophagocytic lymphohistiocytosis 3 (FHL3). Also called: UNC13D-Related Familial Hemophagocytic Lymphohistiocytosis (UNC13D-fHLH). Identifiers: Orphanet 540, MedGen C1837174, MONDO:0012146, OMIM 608898.

Allele frequency attached by ClinVar (database versions not stated): gnomAD exomes below 0.00001 and 0.00001.
gnomAD v4.1: 8 of 1,610,868 alleles (0.0005%); highest among the groups gnomAD compares: Non-Finnish European, 0.00059%; no homozygotes.

Submissions (2):

Labcorp Genetics (formerly Invitae), Labcorp
Classification: Likely benign for Familial hemophagocytic lymphohistiocytosis 3. Last evaluated: 2024-03-01. Review status: criteria provided, single submitter. Criteria: Invitae Variant Classification Sherloc (09022015). Collection method: clinical testing. Allele origin: germline.

Laboratorio de Genetica e Diagnostico Molecular, Hospital Israelita Albert Einstein
Classification: Uncertain significance. Last evaluated: 2020-02-06. Review status: criteria provided, single submitter. Criteria: ACMG Guidelines, 2015. Collection method: clinical testing. Allele origin: germline. Affected: yes.
Comment: ACMG classification criteria: PM2, BP4